The following is an entry in ClinVar:

NM_000548.5(TSC2):c.5167T>C (p.Ser1723Pro)

Gene: TSC2 (TSC complex subunit 2; plus strand). Cytogenetic location: 16p13.3.
Variant type: single nucleotide variant.
Coding change: c.5167T>C on transcript NM_000548.5 (MANE Select); coding-DNA position 5167, T replaced by C.
Protein change: p.Ser1723Pro; replaces serine 1723 with proline.
Molecular consequence: missense variant. On other transcripts: intron variant (1).
Genome position (GRCh38, 1-based): chr16:2,088,233, T>C. VCF-style: chr16-2088233-T-C. GRCh37 (hg19) VCF-style: chr16-2138234-T-C.
Other names: c.4966T>C, p.Ser1656Pro (NM_001077183.3); c.5098T>C, p.Ser1700Pro (NM_001114382.3); c.4858T>C, p.Ser1620Pro (NM_001318827.2); c.4822T>C, p.Ser1608Pro (NM_001318829.2); c.4435T>C, p.Ser1479Pro (NM_001318831.2); c.4999T>C, p.Ser1667Pro (NM_001318832.2); c.4969T>C, p.Ser1657Pro (NM_001363528.2); c.5035T>C, p.Ser1679Pro (NM_001370404.1); and 2 more; short protein forms S1723P, S1667P, S1680P, S1656P, S1657P, S1479P, S1608P, S1620P.
Identifiers: ClinVar variation 49949 (VCV000049949.9), dbSNP rs45517408, ClinGen allele CA022058.
Genomic context (GRCh38, chr16:2,088,233, plus strand): 5'-GGACAGGCCCAGGTGCCACCTGATAGTGAGCTCACCCCCTGCCTACGTCCCCAGATGGCC[T>C]CACAGGTGCATCATAGCCGCTCCAACCCCACCGATATCTACCCCTCCAAGTGGATTGCCC-3'
Protein context (NP_000539.2, residues 1713-1733): RQMALHANMA[Ser1723Pro]QVHHSRSNPT

ClinVar aggregate classification (germline): Conflicting classifications of pathogenicity. Review status: criteria provided, conflicting classifications (1 of 4 stars). 3 submissions from 3 submitters: Likely pathogenic (1); Uncertain significance (1). 1 of the submissions does not count toward it. Last evaluated 2022-05-04.

Conditions:
Tuberous sclerosis syndrome (TSC). Also called: Tuberous Sclerosis Complex; Tuberous sclerosis. Identifiers: Orphanet 805, MedGen C0041341, MONDO:0001734.
Tuberous sclerosis 2 (TSC2). Identifiers: Orphanet 805, MedGen C1860707, MONDO:0013199, OMIM 613254.

Submissions (3):

Mendelics
Classification: Uncertain significance. Last evaluated: 2022-05-04. Review status: criteria provided, single submitter. Criteria: Mendelics Assertion Criteria 2019. Collection method: clinical testing. Allele origin: germline.

Labcorp Genetics (formerly Invitae), Labcorp
Classification: Likely pathogenic for Tuberous sclerosis 2. Last evaluated: 2021-03-18. Review status: criteria provided, single submitter. Criteria: Invitae Variant Classification Sherloc (09022015). Collection method: clinical testing. Allele origin: germline.
Comment: Advanced modeling of protein sequence and biophysical properties (such as structural, functional, and spatial information, amino acid conservation, physicochemical variation, residue mobility, and thermodynamic stability) performed at Invitae indicates that this missense variant is expected to disrupt TSC2 protein function. This variant has been observed in individual(s) with tuberous sclerosis (PMID: 11112665, Invitae). ClinVar contains an entry for this variant (Variation ID: 49949). This variant is not present in population databases (ExAC no frequency). This sequence change replaces serine with proline at codon 1723 of the TSC2 protein (p.Ser1723Pro). The serine residue is highly conserved and there is a moderate physicochemical difference between serine and proline. In summary, the currently available evidence indicates that the variant is pathogenic, but additional data are needed to prove that conclusively. Therefore, this variant has been classified as Likely Pathogenic.

Tuberous sclerosis database (TSC2)
No classification provided. Condition: TSC. Review status: no classification provided. Criteria: Tuberous Sclerosis Database Assertion Criteria 2015. Collection method: curation. Allele origin: germline. Affected: yes. Not counted in ClinVar's aggregate classification.

Literature cited by the submitters: PubMed 11112665 (cited by Labcorp Genetics (formerly Invitae), Labcorp).